The following is an entry in ClinVar:

ClinVar aggregate classification (germline): Uncertain significance (1 of 4 stars; one submission).

Conditions:
Inborn genetic diseases. Identifiers: MedGen C0950123, MeSH D030342.

Submission:

Ambry Genetics
Classification: Uncertain significance for Inborn genetic diseases. Last evaluated: 2026-05-30. Review status: criteria provided, single submitter. Criteria: Ambry Variant Classification Scheme 2023. Collection method: clinical testing. Allele origin: germline.
Comment: The p.L224P variant (also known as c.671T>C), located in coding exon 1 of the SH2B3 gene, results from a T to C substitution at nucleotide position 671. The leucine at codon 224 is replaced by proline, an amino acid with similar properties. This amino acid position is conserved. In addition, this alteration is predicted to be deleterious by in silico analysis. Based on the available evidence, the clinical significance of this variant remains unclear.

NM_005475.3(SH2B3):c.671T>C (p.Leu224Pro)

Gene: SH2B3 (SH2B adaptor protein 3; plus strand). Cytogenetic location: 12q24.12.
Variant type: single nucleotide variant.
Coding change: c.671T>C on transcript NM_005475.3 (MANE Select); coding-DNA position 671, T replaced by C.
Protein change: p.Leu224Pro; replaces leucine 224 with proline.
Molecular consequence: missense variant.
Genome position (GRCh38, 1-based): chr12:111,418,816, T>C. VCF-style: chr12-111418816-T-C. GRCh37 (hg19) VCF-style: chr12-111856620-T-C.
Other names: short protein forms L224P.
Identifiers: ClinVar variation 4864457 (VCV004864457.1).